The following is an entry in ClinVar:

NM_000088.4(COL1A1):c.2467C>G (p.Pro823Ala)

Gene: COL1A1 (collagen type I alpha 1 chain; minus strand). Cytogenetic location: 17q21.33.
Variant type: single nucleotide variant.
Coding change: c.2467C>G on transcript NM_000088.4 (MANE Select); coding-DNA position 2467, C replaced by G.
Protein change: p.Pro823Ala; replaces proline 823 with alanine.
Molecular consequence: missense variant.
Genome position (GRCh38, 1-based): chr17:50,190,093, G>C on the plus strand (C>G on the coding strand, the complement: COL1A1 is on the minus strand). VCF-style: chr17-50190093-G-C. GRCh37 (hg19) VCF-style: chr17-48267454-G-C.
Other names: p.Pro823Ala; short protein forms P823A.
Identifiers: ClinVar variation 324108 (VCV000324108.30), dbSNP rs1800214, ClinGen allele CA8644787.

ClinVar aggregate classification (germline): Conflicting classifications of pathogenicity. Review status: criteria provided, conflicting classifications (1 of 4 stars). 10 submissions from 8 submitters: Uncertain significance (3); Benign (1); Likely benign (5). 1 of the submissions does not count toward it. Last evaluated 2026-01-29.

Conditions:
Cardiovascular phenotype. Identifiers: MedGen CN230736.
Infantile cortical hyperostosis. Also called: Hyperostosis, Cortical, Congenital; Caffey Disease; P1PK BLOOD GROUP SYSTEM, P(2) PHENOTYPE. Identifiers: Orphanet 1310, MedGen C0020497, MONDO:0007244, OMIM 114000.
Osteogenesis imperfecta (OI). Identifiers: Orphanet 666, MedGen C0029434, MeSH D010013, MONDO:0019019.
Osteogenesis imperfecta type I (OI1). Also called: OI, TYPE I; OSTEOGENESIS IMPERFECTA TARDA; OSTEOGENESIS IMPERFECTA WITH BLUE SCLERAE; Lobstein's Disease; Osteogenesis imperfecta type 1; Lobstein disease. Identifiers: Orphanet 216796, Orphanet 666, MedGen C0023931, MONDO:0008146, OMIM 166200. Disease mechanism: loss of function.
Ehlers-Danlos syndrome, arthrochalasia type. Also called: Ehlers-Danlos syndrome, arthrochalasis type; ARTHROCHALASIS MULTIPLEX CONGENITA; EDS VII, MUTANT PROCOLLAGEN TYPE; EDS VIIA; Ehlers-Danlos syndrome, arthrochalasia type, 1. Identifiers: Orphanet 1899, Orphanet 99875, Orphanet 99876, MedGen C4551623, MONDO:0007525, OMIM 130060.
COL1A1-related disorder. Also called: COL1A1-related condition; COL1A1- related disease.
Ehlers-Danlos syndrome (EDS). Identifiers: Orphanet 98249, MedGen C0013720, MONDO:0020066.

Allele frequency attached by ClinVar (database versions not stated): ESP Exome Variant Server 0.00023; gnomAD 0.00030 and 0.00031; TOPMed 0.00036.
gnomAD v4.1: 617 of 1,613,440 alleles (0.038%); highest among the groups gnomAD compares: Admixed American, 0.065%; no homozygotes.

Submissions (10):

Labcorp Genetics (formerly Invitae), Labcorp
Classification: Likely benign for Osteogenesis imperfecta type I. Last evaluated: 2026-01-29. Review status: criteria provided, single submitter. Criteria: Invitae Variant Classification Sherloc (09022015). Collection method: clinical testing. Allele origin: germline.

Mayo Clinic Laboratories, Mayo Clinic
Classification: Likely benign. Last evaluated: 2025-10-08. Review status: criteria provided, single submitter. Criteria: ACMG Guidelines, 2015. Collection method: clinical testing. Allele origin: germline. Observed: 4 variant alleles.
Comment: BS1, PP2, PP3

Blueprint Genetics
Classification: Likely benign. Last evaluated: 2024-10-18. Review status: criteria provided, single submitter. Criteria: ACMG Guidelines, 2015. Collection method: clinical testing. Allele origin: germline.

GeneDx
Classification: Uncertain significance. Last evaluated: 2021-11-04. Review status: criteria provided, single submitter. Criteria: GeneDx Variant Classification Process June 2021. Collection method: clinical testing. Allele origin: germline. Affected: yes.
Comment: In silico analysis supports that this missense variant has a deleterious effect on protein structure/function; Occurs in the triple helical domain at the Y position in the canonical Gly-X-Y repeat. Although this variant may have an effect on normal protein folding and function, missense substitution at the Y position is not a common mechanism of disease (HGMD).; This variant is associated with the following publications: (PMID: 33161638)

Genome Diagnostics Laboratory, The Hospital for Sick Children
Classification: Uncertain significance for Ehlers-Danlos syndrome. Last evaluated: 2021-03-22. Review status: criteria provided, single submitter. Criteria: ACMG Guidelines, 2015. Collection method: clinical testing. Allele origin: germline.

Ambry Genetics
Classification: Likely benign for Cardiovascular phenotype. Last evaluated: 2019-10-31. Review status: criteria provided, single submitter. Criteria: Ambry Variant Classification Scheme 2023. Collection method: clinical testing. Allele origin: germline.

Illumina Laboratory Services, Illumina
Classification: Benign for Ehlers-Danlos syndrome, arthrochalasia type. Last evaluated: 2018-01-13. Review status: criteria provided, single submitter. Criteria: ICSL Variant Classification Criteria 13 December 2019. Collection method: clinical testing. Allele origin: germline.
Comment: This variant was observed in the ICSL laboratory as part of a predisposition screen in an ostensibly healthy population. It had not been previously curated by ICSL or reported in the Human Gene Mutation Database (HGMD: prior to June 1st, 2018), and was therefore a candidate for classification through an automated scoring system. Utilizing variant allele frequency, disease prevalence and penetrance estimates, and inheritance mode, an automated score was calculated to assess if this variant is too frequent to cause the disease. Based on the score and internal cut-off values, a variant classified as benign is not then subjected to further curation. The score for this variant resulted in a classification of benign for this disease.

Illumina Laboratory Services, Illumina
Classification: Likely benign for Osteogenesis imperfecta. Last evaluated: 2018-01-13. Review status: criteria provided, single submitter. Criteria: ICSL Variant Classification Criteria 13 December 2019. Collection method: clinical testing. Allele origin: germline.
Comment: This variant was observed in the ICSL laboratory as part of a predisposition screen in an ostensibly healthy population. It had not been previously curated by ICSL or reported in the Human Gene Mutation Database (HGMD: prior to June 1st, 2018), and was therefore a candidate for classification through an automated scoring system. Utilizing variant allele frequency, disease prevalence and penetrance estimates, and inheritance mode, an automated score was calculated to assess if this variant is too frequent to cause the disease. Based on the score and internal cut-off values, a variant classified as likely benign is not then subjected to further curation. The score for this variant resulted in a classification of likely benign for this disease.

Illumina Laboratory Services, Illumina
Classification: Uncertain significance for Infantile cortical hyperostosis. Last evaluated: 2018-01-13. Review status: criteria provided, single submitter. Criteria: ICSL Variant Classification Criteria 13 December 2019. Collection method: clinical testing. Allele origin: germline.

PreventionGenetics, part of Exact Sciences
Classification: Likely benign for COL1A1-related condition. Last evaluated: 2022-12-29. Review status: no assertion criteria provided. Collection method: clinical testing. Allele origin: germline. Not counted in ClinVar's aggregate classification.
Comment: This variant is classified as likely benign based on ACMG/AMP sequence variant interpretation guidelines (Richards et al. 2015 PMID: 25741868, with internal and published modifications).

Literature cited by the submitters: PubMed 28748566 (cited by Mayo Clinic Laboratories, Mayo Clinic); PubMed 31914141 (cited by Mayo Clinic Laboratories, Mayo Clinic); PubMed 33161638 (cited by Mayo Clinic Laboratories, Mayo Clinic).